The following is an entry in ClinVar:

NM_000217.3(KCNA1):c.635A>G (p.Tyr212Cys)

Gene: KCNA1 (potassium voltage-gated channel subfamily A member 1; plus strand). Cytogenetic location: 12p13.32.
Variant type: single nucleotide variant.
Coding change: c.635A>G on transcript NM_000217.3 (MANE Select); coding-DNA position 635, A replaced by G.
Protein change: p.Tyr212Cys; replaces tyrosine 212 with cysteine.
Molecular consequence: missense variant.
Genome position (GRCh38, 1-based): chr12:4,912,013, A>G. VCF-style: chr12-4912013-A-G. GRCh37 (hg19) VCF-style: chr12-5021179-A-G.
Other names: short protein forms Y212C.
Identifiers: ClinVar variation 1378925 (VCV001378925.6), dbSNP rs2137673409, ClinGen allele CA383454997.

ClinVar aggregate classification (germline): Uncertain significance (1 of 4 stars; one submission).

Conditions:
Episodic ataxia type 1 (EA1). Also called: PAROXYSMAL ATAXIA WITH NEUROMYOTONIA, HEREDITARY; ATAXIA, EPISODIC, WITH MYOKYMIA; Episodic ataxia/myokymia syndrome; MYOKYMIA WITH PERIODIC ATAXIA. Identifiers: Orphanet 37612, Orphanet 972, MedGen C1719788, MONDO:0008047, OMIM 160120.

Submission:

Labcorp Genetics (formerly Invitae), Labcorp
Classification: Uncertain significance for Episodic ataxia type 1. Last evaluated: 2022-06-28. Review status: criteria provided, single submitter. Criteria: Invitae Variant Classification Sherloc (09022015). Collection method: clinical testing. Allele origin: germline.
Comment: In summary, the available evidence is currently insufficient to determine the role of this variant in disease. Therefore, it has been classified as a Variant of Uncertain Significance. Advanced modeling of protein sequence and biophysical properties (such as structural, functional, and spatial information, amino acid conservation, physicochemical variation, residue mobility, and thermodynamic stability) performed at Invitae indicates that this missense variant is not expected to disrupt KCNA1 protein function. This variant has not been reported in the literature in individuals affected with KCNA1-related conditions. This variant is not present in population databases (gnomAD no frequency). This sequence change replaces tyrosine, which is neutral and polar, with cysteine, which is neutral and slightly polar, at codon 212 of the KCNA1 protein (p.Tyr212Cys).